The following is an entry in ClinVar:

ClinVar aggregate classification (germline): Benign. Review status: criteria provided, single submitter (1 of 4 stars). 2 submissions from 2 submitters: Benign (1). 1 of the submissions does not count toward it. Last evaluated 2024-03-24.

Conditions:
Greig cephalopolysyndactyly syndrome (GCPS). Also called: Greig syndrome; POLYSYNDACTYLY WITH PECULIAR SKULL SHAPE; GLI3-Related Greig Cephalopolysyndactyly Syndrome. Identifiers: Orphanet 380, MedGen C0265306, MONDO:0008287, OMIM 175700.
Pallister-Hall syndrome (PHS). Also called: HYPOTHALAMIC HAMARTOBLASTOMA, HYPOPITUITARISM, IMPERFORATE ANUS, AND POSTAXIAL POLYDACTYLY; GLI3-Related Pallister-Hall Syndrome. Identifiers: Orphanet 672, MedGen C0265220, MONDO:0007804, OMIM 146510.
GLI3-related disorder. Also called: GLI3-related condition; GLI3-related disorders. Identifiers: MedGen CN239292.

Allele frequency attached by ClinVar (database versions not stated): ExAC 0.00002; gnomAD 0.00015; ESP Exome Variant Server 0.00023.
gnomAD v4.1: 31 of 1,613,258 alleles (0.0019%); highest among the groups gnomAD compares: African/African-American, 0.04%; no homozygotes.

Submissions (2):

Labcorp Genetics (formerly Invitae), Labcorp
Classification: Benign for Pallister-Hall syndrome; Greig cephalopolysyndactyly syndrome. Last evaluated: 2024-03-24. Review status: criteria provided, single submitter. Criteria: Invitae Variant Classification Sherloc (09022015). Collection method: clinical testing. Allele origin: germline.

PreventionGenetics, part of Exact Sciences
Classification: Likely benign for GLI3-related condition. Last evaluated: 2021-12-02. Review status: no assertion criteria provided. Collection method: clinical testing. Allele origin: germline. Not counted in ClinVar's aggregate classification.
Comment: This variant is classified as likely benign based on ACMG/AMP sequence variant interpretation guidelines (Richards et al. 2015 PMID: 25741868, with internal and published modifications).

NM_000168.6(GLI3):c.3318A>C (p.Ala1106=)

Gene: GLI3 (GLI family zinc finger 3; minus strand). Cytogenetic location: 7p14.1.
Variant type: single nucleotide variant.
Coding change: c.3318A>C on transcript NM_000168.6 (MANE Select); coding-DNA position 3318, A replaced by C.
Protein change: p.Ala1106=; no amino-acid change (alanine 1106 retained).
Molecular consequence: synonymous variant.
Genome position (GRCh38, 1-based): chr7:41,965,755, T>G on the plus strand (A>C on the coding strand, the complement: GLI3 is on the minus strand). VCF-style: chr7-41965755-T-G. GRCh37 (hg19) VCF-style: chr7-42005353-T-G.
Identifiers: ClinVar variation 3031887 (VCV003031887.4), dbSNP rs148780793, ClinGen allele CA4230398.